The following is an entry in ClinVar:

NM_014000.3(VCL):c.1297C>T (p.Arg433Cys)

Gene: VCL (vinculin; plus strand). Cytogenetic location: 10q22.2.
Variant type: single nucleotide variant.
Coding change: c.1297C>T on transcript NM_014000.3 (MANE Select); coding-DNA position 1297, C replaced by T.
Protein change: p.Arg433Cys; replaces arginine 433 with cysteine.
Molecular consequence: missense variant.
Genome position (GRCh38, 1-based): chr10:74,090,143, C>T. VCF-style: chr10-74090143-C-T. GRCh37 (hg19) VCF-style: chr10-75849901-C-T.
Other names: c.1297C>T, p.Arg433Cys (NM_003373.4); short protein forms R433C.
Identifiers: ClinVar variation 684862 (VCV000684862.13), dbSNP rs139559937, ClinGen allele CA5562968.

ClinVar aggregate classification (germline): Conflicting classifications of pathogenicity. Review status: criteria provided, conflicting classifications (1 of 4 stars). 4 submissions from 4 submitters: Uncertain significance (1); Likely benign (3). Last evaluated 2026-05-13.

Conditions:
Cardiovascular phenotype. Identifiers: MedGen CN230736.
VCL-related disorder. Also called: VCL-related condition.
Dilated cardiomyopathy 1W (CMD1W). Identifiers: Orphanet 154, MedGen C1969639, MONDO:0012667, OMIM 611407.

Allele frequency attached by ClinVar (database versions not stated): gnomAD exomes 0.00003 and 0.00008; ExAC 0.00010; TOPMed 0.00021; gnomAD 0.00023 and 0.00026.

Submissions (4):

PreventionGenetics, part of Exact Sciences
Classification: Likely benign for VCL-related condition. Last evaluated: 2026-05-13. Review status: criteria provided, single submitter. Criteria: ACMG Guidelines, 2015. Collection method: clinical testing. Allele origin: germline.
Comment: This variant is classified as likely benign based on ACMG/AMP sequence variant interpretation guidelines (Richards et al. 2015 PMID: 25741868, with internal and published modifications).

Labcorp Genetics (formerly Invitae), Labcorp
Classification: Likely benign for Dilated cardiomyopathy 1W. Last evaluated: 2025-05-13. Review status: criteria provided, single submitter. Criteria: Invitae Variant Classification Sherloc (09022015). Collection method: clinical testing. Allele origin: germline.

Ambry Genetics
Classification: Likely benign for Cardiovascular phenotype. Last evaluated: 2019-05-22. Review status: criteria provided, single submitter. Criteria: Ambry Variant Classification Scheme 2023. Collection method: clinical testing. Allele origin: germline.

Molecular Diagnostic Laboratory for Inherited Cardiovascular Disease, Montreal Heart Institute
Classification: Uncertain significance. Review status: criteria provided, single submitter. Criteria: ACMG Guidelines, 2015. Collection method: clinical testing. Allele origin: germline. Affected: yes.